The following is an entry in ClinVar:

ClinVar aggregate classification (germline): Uncertain significance (1 of 4 stars; one submission).

Allele frequency attached by ClinVar (database versions not stated): ExAC 0.00003; TOPMed 0.00003; gnomAD 0.00005; 1000 Genomes Project 30x 0.00016; 1000 Genomes Project 0.00020.

Submission:

Labcorp Genetics (formerly Invitae), Labcorp
Classification: Uncertain significance. Last evaluated: 2022-09-27. Review status: criteria provided, single submitter. Criteria: Invitae Variant Classification Sherloc (09022015). Collection method: clinical testing. Allele origin: germline.
Comment: This sequence change replaces serine, which is neutral and polar, with asparagine, which is neutral and polar, at codon 971 of the LAMB3 protein (p.Ser971Asn). This variant is present in population databases (rs201448367, gnomAD 0.008%). This variant has not been reported in the literature in individuals affected with LAMB3-related conditions. Algorithms developed to predict the effect of missense changes on protein structure and function (SIFT, PolyPhen-2, Align-GVGD) all suggest that this variant is likely to be tolerated. In summary, the available evidence is currently insufficient to determine the role of this variant in disease. Therefore, it has been classified as a Variant of Uncertain Significance.

NM_000228.3(LAMB3):c.2912G>A (p.Ser971Asn)

Gene: LAMB3 (laminin subunit beta 3; minus strand). Cytogenetic location: 1q32.2.
Variant type: single nucleotide variant.
Coding change: c.2912G>A on transcript NM_000228.3 (MANE Select); coding-DNA position 2912, G replaced by A.
Protein change: p.Ser971Asn; replaces serine 971 with asparagine.
Molecular consequence: missense variant.
Genome position (GRCh38, 1-based): chr1:209,618,046, C>T on the plus strand (G>A on the coding strand, the complement: LAMB3 is on the minus strand). VCF-style: chr1-209618046-C-T. GRCh37 (hg19) VCF-style: chr1-209791391-C-T.
Other names: c.2912G>A, p.Ser971Asn (NM_001017402.2, NM_001127641.1); short protein forms S971N.
Identifiers: ClinVar variation 2143334 (VCV002143334.1), dbSNP rs201448367, ClinGen allele CA1375046.